The following is an entry in ClinVar:

ClinVar aggregate classification (germline): Benign (0 of 4 stars; one submission).

Conditions:
FSIP2-related disorder. Also called: FSIP2-related condition.

Allele frequency attached by ClinVar (database versions not stated): TOPMed 0.53186; 1000 Genomes Project 30x 0.53857; 1000 Genomes Project 0.54034; gnomAD exomes 0.54207; gnomAD 0.54452; ExAC 0.58287.
gnomAD v4.1: 831,586 of 1,533,772 alleles (54%); highest among the groups gnomAD compares: South Asian, 64%; 226,961 homozygotes.

Submission:

PreventionGenetics, part of Exact Sciences
Classification: Benign for FSIP2-related condition. Last evaluated: 2019-10-17. Review status: no assertion criteria provided. Collection method: clinical testing. Allele origin: germline.
Comment: This variant is classified as benign based on ACMG/AMP sequence variant interpretation guidelines (Richards et al. 2015 PMID: 25741868, with internal and published modifications).

NM_173651.4(FSIP2):c.6575C>T (p.Thr2192Met)

Genes: FSIP2 (fibrous sheath interacting protein 2; plus strand), FSIP2-AS1 (FSIP2 antisense RNA 1; minus strand). Cytogenetic location: 2q32.1.
Variant type: single nucleotide variant.
Coding change: c.6575C>T on transcript NM_173651.4 (MANE Select); coding-DNA position 6575, C replaced by T.
Protein change: p.Thr2192Met; replaces threonine 2192 with methionine.
Molecular consequence: missense variant.
Genome position (GRCh38, 1-based): chr2:185,793,711, C>T. VCF-style: chr2-185793711-C-T. GRCh37 (hg19) VCF-style: chr2-186658438-C-T.
Other names: short protein forms T2192M.
Identifiers: ClinVar variation 3060358 (VCV003060358.2), dbSNP rs10490391, ClinGen allele CA2016748.